The following is an entry in ClinVar:

ClinVar aggregate classification (germline): Benign (1 of 4 stars; one submission).

Allele frequency attached by ClinVar (database versions not stated): 1000 Genomes Project 30x 0.21846; 1000 Genomes Project 0.22244; ESP Exome Variant Server 0.24566; gnomAD 0.25377; TOPMed 0.25677; ExAC 0.26959; gnomAD exomes 0.28292.
gnomAD v4.1: 450,954 of 1,612,268 alleles (28%); highest among the groups gnomAD compares: Admixed American, 35%; 64,638 homozygotes.

Submission:

Unidad de Genómica Garrahan, Hospital de Pediatría Garrahan
Classification: Benign. Last evaluated: 2024-01-24. Review status: criteria provided, single submitter. Criteria: ACMG Guidelines, 2015. Collection method: clinical testing. Allele origin: germline. Affected: no. Observed: 52 variant alleles.
Comment: This variant is classified as Benign based on local population frequency. This variant was detected in 55% of patients studied by a panel of primary immunodeficiencies. Number of patients: 52. Only high quality variants are reported.

NM_001144958.2(CRACR2A):c.460G>A (p.Glu154Lys)

Gene: CRACR2A (calcium release activated channel regulator 2A; minus strand). Cytogenetic location: 12p13.32.
Variant type: single nucleotide variant.
Coding change: c.460G>A on transcript NM_001144958.2 (MANE Select); coding-DNA position 460, G replaced by A.
Protein change: p.Glu154Lys; replaces glutamic acid 154 with lysine.
Molecular consequence: missense variant.
Genome position (GRCh38, 1-based): chr12:3,678,979, C>T on the plus strand (G>A on the coding strand, the complement: CRACR2A is on the minus strand). VCF-style: chr12-3678979-C-T. GRCh37 (hg19) VCF-style: chr12-3788145-C-T.
Other names: c.460G>A, p.Glu154Lys (NM_032680.4); short protein forms E154K.
Identifiers: ClinVar variation 2688092 (VCV002688092.2), dbSNP rs242018, ClinGen allele CA6394696.